The following is an entry in ClinVar:

ClinVar aggregate classification (germline): Pathogenic (1 of 4 stars; one submission).

Conditions:
Fanconi anemia (FA). Also called: Fanconi's anemia. Identifiers: Orphanet 84, MedGen C0015625, MeSH D005199, MONDO:0019391.

Submission:

Labcorp Genetics (formerly Invitae), Labcorp
Classification: Pathogenic for Fanconi anemia. Last evaluated: 2022-04-20. Review status: criteria provided, single submitter. Criteria: Invitae Variant Classification Sherloc (09022015). Collection method: clinical testing. Allele origin: germline.
Comment: This sequence change creates a premature translational stop signal (p.Phe1261Serfs*5) in the FANCA gene. It is expected to result in an absent or disrupted protein product. Loss-of-function variants in FANCA are known to be pathogenic (PMID: 19367192). This variant is not present in population databases (gnomAD no frequency). This variant has not been reported in the literature in individuals affected with FANCA-related conditions. For these reasons, this variant has been classified as Pathogenic.

Literature cited by the submitters: PubMed 19367192.

NM_000135.4(FANCA):c.3782del (p.Phe1261fs)

Genes: FANCA (FA complementation group A; minus strand), ZNF276 (zinc finger protein 276; plus strand). Cytogenetic location: 16q24.3.
Variant type: Deletion.
Coding change: c.3782del on transcript NM_000135.4 (MANE Select); coding-DNA position 3782, one base deleted (T; older notation c.3782delT).
Protein change: p.Phe1261fs; shifts the reading frame from phenylalanine 1261.
Molecular consequence: frameshift variant. On other transcripts: 3 prime UTR variant (2), non-coding transcript variant (4).
Genome position (GRCh38, 1-based): chr16:89,740,850, A deleted on the plus strand (T on the coding strand, the reverse complement: FANCA is on the minus strand); the first of 4 consecutive A bases (chr16:89,740,850-89,740,853); deleting any one gives the same sequence. VCF-style (leftmost placement, unchanged base first): chr16-89740849-GA-G. GRCh37 (hg19) VCF-style: chr16-89807257-GA-G.
Other names: c.3782del, p.Phe1261fs (NM_001286167.3); c.*2607del (NM_001113525.2, NM_152287.4); short protein forms F1261fs.
Identifiers: ClinVar variation 2187186 (VCV002187186.4), dbSNP rs2544095233, ClinGen allele CA2580092335.